The following is an entry in ClinVar:

ClinVar aggregate classification (germline): Uncertain significance. Review status: criteria provided, multiple submitters, no conflicts (2 of 4 stars). 2 submissions from 2 submitters: Uncertain significance (2). Last evaluated 2024-10-01.

Conditions:
Inborn genetic diseases. Identifiers: MedGen C0950123, MeSH D030342.
Sulfite oxidase deficiency due to molybdenum cofactor deficiency type C. Also called: Molybdenum cofactor deficiency, complementation group C; Molybdenum cofactor deficiency C. Identifiers: Orphanet 308400, Orphanet 833, MedGen C1854990, MONDO:0014212, OMIM 615501.

Allele frequency attached by ClinVar (database versions not stated): gnomAD exomes below 0.00001.
gnomAD v4.1: 2 of 1,606,874 alleles (0.00012%); highest among the groups gnomAD compares: Non-Finnish European, 0.000085%; no homozygotes.

Submissions (2):

Ambry Genetics
Classification: Uncertain significance for Inborn genetic diseases. Last evaluated: 2024-10-01. Review status: criteria provided, single submitter. Criteria: Ambry Variant Classification Scheme 2023. Collection method: clinical testing. Allele origin: germline.

Labcorp Genetics (formerly Invitae), Labcorp
Classification: Uncertain significance for Sulfite oxidase deficiency due to molybdenum cofactor deficiency type C. Last evaluated: 2023-06-18. Review status: criteria provided, single submitter. Criteria: Invitae Variant Classification Sherloc (09022015). Collection method: clinical testing. Allele origin: germline.
Comment: In summary, the available evidence is currently insufficient to determine the role of this variant in disease. Therefore, it has been classified as a Variant of Uncertain Significance. Advanced modeling of protein sequence and biophysical properties (such as structural, functional, and spatial information, amino acid conservation, physicochemical variation, residue mobility, and thermodynamic stability) performed at Invitae indicates that this missense variant is expected to disrupt GPHN protein function. This variant has not been reported in the literature in individuals affected with GPHN-related conditions. This variant is not present in population databases (gnomAD no frequency). This sequence change replaces arginine, which is basic and polar, with histidine, which is basic and polar, at codon 703 of the GPHN protein (p.Arg703His).

NM_020806.5(GPHN):c.2108G>A (p.Arg703His)

Gene: GPHN (gephyrin; plus strand). Cytogenetic location: 14q23.3.
Variant type: single nucleotide variant.
Coding change: c.2108G>A on transcript NM_020806.5 (MANE Select); coding-DNA position 2108, G replaced by A.
Protein change: p.Arg703His; replaces arginine 703 with histidine.
Molecular consequence: missense variant.
Genome position (GRCh38, 1-based): chr14:67,179,606, G>A. VCF-style: chr14-67179606-G-A. GRCh37 (hg19) VCF-style: chr14-67646323-G-A.
Other names: c.2108G>A (NM_020806.4); c.2066G>A, p.Arg689His (NM_001377518.1); c.2048G>A, p.Arg683His (NM_001377519.1); c.2009G>A, p.Arg670His (NM_001024218.2); c.2168G>A, p.Arg723His (NM_001377514.1); c.2138G>A, p.Arg713His (NM_001377515.1); c.2129G>A, p.Arg710His (NM_001377516.1); c.2081G>A, p.Arg694His (NM_001377517.1); short protein forms R689H, R670H, R703H, R710H, R713H, R723H, R683H, R694H.
Identifiers: ClinVar variation 2985991 (VCV002985991.4), dbSNP rs2544478218, ClinGen allele CA390122310.